The following is an entry in ClinVar:

ClinVar aggregate classification (germline): Pathogenic (1 of 4 stars; one submission).

Conditions:
Primary ciliary dyskinesia. Also called: Ciliary dyskinesia. Identifiers: Orphanet 244, MedGen C0008780, MONDO:0016575, HP:0012265.

Submission:

Labcorp Genetics (formerly Invitae), Labcorp
Classification: Pathogenic for Primary ciliary dyskinesia. Last evaluated: 2024-01-18. Review status: criteria provided, single submitter. Criteria: Invitae Variant Classification Sherloc (09022015). Collection method: clinical testing. Allele origin: germline.
Comment: This sequence change creates a premature translational stop signal (p.Tyr182*) in the DNAI2 gene. It is expected to result in an absent or disrupted protein product. Loss-of-function variants in DNAI2 are known to be pathogenic (PMID: 18950741, 23891469). This variant is not present in population databases (gnomAD no frequency). This premature translational stop signal has been observed in individual(s) with DNAI2-related conditions (PMID: 31681265, 32253119). For these reasons, this variant has been classified as Pathogenic.

Literature cited by the submitters: PubMed 18950741; PubMed 23891469; PubMed 31681265; PubMed 32253119.

NM_023036.6(DNAI2):c.546C>G (p.Tyr182Ter)

Gene: DNAI2 (dynein axonemal intermediate chain 2; plus strand). Cytogenetic location: 17q25.1.
Variant type: single nucleotide variant.
Coding change: c.546C>G on transcript NM_023036.6 (MANE Select); coding-DNA position 546, C replaced by G.
Protein change: p.Tyr182Ter; replaces tyrosine 182 with a stop codon.
Molecular consequence: nonsense. On other transcripts: non-coding transcript variant (1).
Genome position (GRCh38, 1-based): chr17:74,289,672, C>G. VCF-style: chr17-74289672-C-G. GRCh37 (hg19) VCF-style: chr17-72285811-C-G.
Other names: c.546C>G, p.Tyr182Ter (NM_001172810.3, NM_001353167.2); short protein forms Y182*.
Identifiers: ClinVar variation 2709909 (VCV002709909.3), dbSNP rs770946088, ClinGen allele CA400906123.
Genomic context (GRCh38, chr17:74,289,672, plus strand): 5'-GAGGGCTGCCACACACCTCTCCTGGCACCCCGATGGCAACAGGAAGTTGGCAGTGGCATA[C>G]TCCTGCTTGGATTTTCAGCGGGCACCTGTGGGCATGAGCAGCGATTCATACATCTGGGAC-3'